The following is an entry in ClinVar:

ClinVar aggregate classification (germline): Conflicting classifications of pathogenicity. Review status: criteria provided, conflicting classifications (1 of 4 stars). 2 submissions from 2 submitters: Likely pathogenic (1); Uncertain significance (1). Last evaluated 2023-09-11.

gnomAD v4.1: 1 of 1,612,784 alleles (0.000062%); highest among the groups gnomAD compares: Non-Finnish European, 0.000085%; no homozygotes.

Submissions (2):

Labcorp Genetics (formerly Invitae), Labcorp
Classification: Likely pathogenic. Last evaluated: 2023-09-11. Review status: criteria provided, single submitter. Criteria: Invitae Variant Classification Sherloc (09022015). Collection method: clinical testing. Allele origin: germline.
Comment: In summary, the currently available evidence indicates that the variant is pathogenic, but additional data are needed to prove that conclusively. Therefore, this variant has been classified as Likely Pathogenic. This variant disrupts the p.Asp771 amino acid residue in WFS1. Other variant(s) that disrupt this residue have been determined to be pathogenic (PMID: 15912360). This suggests that this residue is clinically significant, and that variants that disrupt this residue are likely to be disease-causing. Advanced modeling of protein sequence and biophysical properties (such as structural, functional, and spatial information, amino acid conservation, physicochemical variation, residue mobility, and thermodynamic stability) performed at Invitae indicates that this missense variant is expected to disrupt WFS1 protein function. ClinVar contains an entry for this variant (Variation ID: 2430988). This variant has not been reported in the literature in individuals affected with WFS1-related conditions. This variant is not present in population databases (gnomAD no frequency). This sequence change replaces aspartic acid, which is acidic and polar, with tyrosine, which is neutral and polar, at codon 771 of the WFS1 protein (p.Asp771Tyr).

GeneDx
Classification: Uncertain significance. Last evaluated: 2022-08-19. Review status: criteria provided, single submitter. Criteria: GeneDx Variant Classification Process June 2021. Collection method: clinical testing. Allele origin: germline. Affected: yes.
Comment: In silico analysis supports that this missense variant has a deleterious effect on protein structure/function; Not observed at significant frequency in large population cohorts (gnomAD); Has not been previously published as pathogenic or benign to our knowledge

Literature cited by the submitters: PubMed 15912360 (cited by Labcorp Genetics (formerly Invitae), Labcorp).

NM_006005.3(WFS1):c.2311G>T (p.Asp771Tyr)

Gene: WFS1 (wolframin ER transmembrane glycoprotein; plus strand). Cytogenetic location: 4p16.1.
Variant type: single nucleotide variant.
Coding change: c.2311G>T on transcript NM_006005.3 (MANE Select); coding-DNA position 2311, G replaced by T.
Protein change: p.Asp771Tyr; replaces aspartic acid 771 with tyrosine.
Molecular consequence: missense variant.
Genome position (GRCh38, 1-based): chr4:6,302,106, G>T. VCF-style: chr4-6302106-G-T. GRCh37 (hg19) VCF-style: chr4-6303833-G-T.
Other names: c.2311G>T, p.Asp771Tyr (NM_001145853.1); short protein forms D771Y.
Identifiers: ClinVar variation 2430988 (VCV002430988.4), dbSNP rs534067035, ClinGen allele CA356178343.